The following is an entry in ClinVar:

NM_000123.4(ERCC5):c.1738C>T (p.Pro580Ser)

Genes: BIVM-ERCC5 (BIVM-ERCC5 readthrough; plus strand), ERCC5 (ERCC excision repair 5, endonuclease; plus strand). Cytogenetic location: 13q33.1.
Variant type: single nucleotide variant.
Coding change: c.1738C>T on transcript NM_000123.4 (MANE Select); coding-DNA position 1738, C replaced by T.
Protein change: p.Pro580Ser; replaces proline 580 with serine.
Molecular consequence: missense variant.
Genome position (GRCh38, 1-based): chr13:102,862,887, C>T. VCF-style: chr13-102862887-C-T. GRCh37 (hg19) VCF-style: chr13-103515237-C-T.
Other names: c.3100C>T, p.Pro1034Ser (NM_001204425.2); short protein forms P580S, P1034S.
Identifiers: ClinVar variation 134191 (VCV000134191.2), dbSNP rs587778296, ClinGen allele CA159065.

ClinVar aggregate classification (germline): Uncertain significance. Review status: criteria provided, single submitter (1 of 4 stars). 2 submissions from 2 submitters: Uncertain significance (1). 1 of the submissions does not count toward it. Last evaluated 2025-04-23.

Allele frequency attached by ClinVar (database versions not stated): gnomAD exomes below 0.00001; gnomAD 0.00001; TOPMed 0.00002.
gnomAD v4.1: 2 of 1,614,016 alleles (0.00012%); highest among the groups gnomAD compares: East Asian, 0.0022%; no homozygotes.

Submissions (2):

Labcorp Genetics (formerly Invitae), Labcorp
Classification: Uncertain significance. Last evaluated: 2025-04-23. Review status: criteria provided, single submitter. Criteria: Invitae Variant Classification Sherloc (09022015). Collection method: clinical testing. Allele origin: germline.
Comment: This sequence change replaces proline, which is neutral and non-polar, with serine, which is neutral and polar, at codon 580 of the ERCC5 protein (p.Pro580Ser). This variant is present in population databases (rs587778296, gnomAD 0.003%). This variant has not been reported in the literature in individuals affected with ERCC5-related conditions. ClinVar contains an entry for this variant (Variation ID: 134191). An algorithm developed to predict the effect of missense changes on protein structure and function (PolyPhen-2) suggests that this variant is likely to be tolerated. In summary, the available evidence is currently insufficient to determine the role of this variant in disease. Therefore, it has been classified as a Variant of Uncertain Significance.

ITMI
No classification provided. Condition: AllHighlyPenetrant. Last evaluated: 2013-09-19. Review status: no classification provided. Collection method: reference population. Allele origin: germline. Not counted in ClinVar's aggregate classification.
Comment: Please see associated publication for description of ethnicities

Literature cited by the submitters: PubMed 24728327 (cited by ITMI).